The following is an entry in ClinVar:

NM_201253.3(CRB1):c.3946_3949del (p.Leu1316fs)

Gene: CRB1 (crumbs cell polarity complex component 1; plus strand). Cytogenetic location: 1q31.3.
Variant type: Deletion.
Coding change: c.3946_3949del on transcript NM_201253.3 (MANE Select); coding-DNA positions 3946 to 3949, 4 bases deleted (CTCA; older notation c.3946_3949delCTCA).
Protein change: p.Leu1316fs; shifts the reading frame from leucine 1316.
Molecular consequence: frameshift variant. On other transcripts: non-coding transcript variant (2).
Genome position (GRCh38, 1-based): chr1:197,442,233-197,442,236, CTCA deleted; deleting any 4 consecutive bases within chr1:197,442,232-197,442,236 gives the same sequence; the c. name uses the placement nearest the transcript's 3' end. VCF-style (leftmost placement, unchanged base first): chr1-197442231-TACTC-T. GRCh37 (hg19) VCF-style: chr1-197411361-TACTC-T.
Other names: c.3610_3613del, p.Leu1204fs (NM_001193640.2); c.3874_3877del, p.Leu1292fs (NM_001257965.2); c.2338_2341del, p.Leu780fs (NM_001257966.2); short protein forms L1204fs, L1292fs, L1316fs, L780fs.
Identifiers: ClinVar variation 3763412 (VCV003763412.2).

ClinVar aggregate classification (germline): Pathogenic (1 of 4 stars; one submission).

Conditions:
Leber congenital amaurosis 8 (LCA8). Identifiers: Orphanet 65, MedGen C3151202, MONDO:0013453, OMIM 613835.
Retinitis pigmentosa 12 (RP12). Also called: RP WITH OR WITHOUT PRESERVED PARAARTERIOLE RETINAL PIGMENT EPITHELIUM; RETINITIS PIGMENTOSA WITH OR WITHOUT PARAARTERIOLAR PRESERVATION OF RETINAL PIGMENT EPITHELIUM; RP WITH OR WITHOUT PPRPE. Identifiers: Orphanet 791, MedGen C1838647, MONDO:0010818, OMIM 600105.

Submission:

Labcorp Genetics (formerly Invitae), Labcorp
Classification: Pathogenic for Leber congenital amaurosis 8; Retinitis pigmentosa 12. Last evaluated: 2024-02-16. Review status: criteria provided, single submitter. Criteria: Invitae Variant Classification Sherloc (09022015). Collection method: clinical testing. Allele origin: germline.
Comment: This sequence change creates a premature translational stop signal (p.Leu1316Thrfs*24) in the CRB1 gene. While this is not anticipated to result in nonsense mediated decay, it is expected to disrupt the last 91 amino acid(s) of the CRB1 protein. This variant is not present in population databases (gnomAD no frequency). This premature translational stop signal has been observed in individuals with CRB1-related conditions (PMID: 31630094, 35119454). Algorithms developed to predict the effect of sequence changes on RNA splicing suggest that this variant may disrupt the consensus splice site. This variant disrupts a region of the CRB1 protein in which other variant(s) (p.Arg1390*) have been determined to be pathogenic (PMID: 23379534, 24715753, 29068479). This suggests that this is a clinically significant region of the protein, and that variants that disrupt it are likely to be disease-causing. For these reasons, this variant has been classified as Pathogenic.

Literature cited by the submitters: PubMed 31630094; PubMed 35119454; PubMed 23379534; PubMed 24715753; PubMed 29068479.